The following is an entry in ClinVar:

NM_018124.4(RFWD3):c.253G>T (p.Val85Phe)

Gene: RFWD3 (ring finger and WD repeat domain 3; minus strand). Cytogenetic location: 16q23.1.
Variant type: single nucleotide variant.
Coding change: c.253G>T on transcript NM_018124.4 (MANE Select); coding-DNA position 253, G replaced by T.
Protein change: p.Val85Phe; replaces valine 85 with phenylalanine.
Molecular consequence: missense variant. On other transcripts: 5 prime UTR variant (4), intron variant (1).
Genome position (GRCh38, 1-based): chr16:74,661,197, C>A on the plus strand (G>T on the coding strand, the complement: RFWD3 is on the minus strand). VCF-style: chr16-74661197-C-A. GRCh37 (hg19) VCF-style: chr16-74695095-C-A.
Other names: c.253G>T, p.Val85Phe (NM_001370534.1, NM_001370535.1, NM_001370536.1); c.-756G>T (NM_001370537.1); c.-379G>T (NM_001370539.1, NM_001370541.1); c.-633G>T (NM_001370542.1); c.-511G>T (NM_001370543.1); c.-317+3427G>T (NM_001370540.1); short protein forms V85F.
Identifiers: ClinVar variation 2861325 (VCV002861325.3), dbSNP rs2544142710, ClinGen allele CA396764304.

ClinVar aggregate classification (germline): Uncertain significance (1 of 4 stars; one submission).

Submission:

Labcorp Genetics (formerly Invitae), Labcorp
Classification: Uncertain significance. Last evaluated: 2023-05-04. Review status: criteria provided, single submitter. Criteria: Invitae Variant Classification Sherloc (09022015). Collection method: clinical testing. Allele origin: germline.
Comment: In summary, the available evidence is currently insufficient to determine the role of this variant in disease. Therefore, it has been classified as a Variant of Uncertain Significance. An algorithm developed to predict the effect of missense changes on protein structure and function (PolyPhen-2) suggests that this variant is likely to be tolerated. This variant has not been reported in the literature in individuals affected with RFWD3-related conditions. This variant is not present in population databases (gnomAD no frequency). This sequence change replaces valine, which is neutral and non-polar, with phenylalanine, which is neutral and non-polar, at codon 85 of the RFWD3 protein (p.Val85Phe).